The following is an entry in ClinVar:

NM_000038.6(APC):c.1409-2del

Gene: APC (APC regulator of Wnt signaling pathway; plus strand). Cytogenetic location: 5q22.2.
Variant type: Deletion.
Coding change: c.1409-2del on transcript NM_000038.6 (MANE Select); the canonical splice acceptor site of the intron before coding-DNA position 1409, one base deleted (A; older notation c.1409-2delA).
Molecular consequence: splice acceptor variant.
Genome position (GRCh38, 1-based): chr5:112,827,106, A deleted. VCF-style (leftmost placement, unchanged base first): chr5-112827105-TA-T. GRCh37 (hg19) VCF-style: chr5-112162802-TA-T.
Other names: c.1160-2del (NM_001407456.1, NM_001407457.1, NM_001407455.1 and 1 more transcripts); c.1106-2del (NM_001407460.1, NM_001407458.1, NM_001407459.1 and 1 more transcripts); c.1379-2del (NM_001407452.1); c.1022-2del (NM_001407469.1, NM_001407467.1); c.1493-2del (NM_001407446.1); c.1439-2del (NM_001354897.2); c.1136-2del (NM_001354902.2); c.1355-2del (NM_001127511.3); and 12 more.
Identifiers: ClinVar variation 1049772 (VCV001049772.5), dbSNP rs2149808371, ClinGen allele CA2499217439.
Genomic context (GRCh38, chr5:112,827,105, plus strand): 5'-ACTTGGTACCAGTTTGTTTTATTTTAGATGATTGTCTTTTTCCTCTTGCCCTTTTTAAAT[TA>T]GGGGGACTACAGGCCATTGCAGAATTATTGCAAGTGGACTGTGAAATGTATGGGCTTACT-3'

ClinVar aggregate classification (germline): Pathogenic/Likely pathogenic. Review status: criteria provided, multiple submitters, no conflicts (2 of 4 stars). 4 submissions from 3 submitters: Pathogenic (1); Likely pathogenic (2). 1 of the submissions does not count toward it. Last evaluated 2024-05-22.

Conditions:
Familial adenomatous polyposis 1 (FAP1). Also called: FAMILIAL ADENOMATOUS POLYPOSIS 1, ATTENUATED; POLYPOSIS, ADENOMATOUS INTESTINAL. Identifiers: MedGen C2713442, MONDO:0021056, OMIM 175100. Disease mechanism: loss of function.
Desmoid disease, hereditary (DESMD). Also called: FIBROMATOSIS, FAMILIAL INFILTRATIVE. Identifiers: Orphanet 873, MedGen C1851124, OMIM 135290. Disease mechanism: loss of function.
Hereditary cancer-predisposing syndrome. Also called: Hereditary Cancer Syndrome; Hereditary neoplastic syndrome; Tumor predisposition; Neoplastic Syndromes, Hereditary. Identifiers: Orphanet 140162, MedGen C0027672, MeSH D009386, MONDO:0015356.
Carcinoma of colon (CRC). Also called: Colonic carcinoma; Colon carcinoma. Identifiers: MedGen C0699790, MONDO:0002032.

Submissions (4):

Ambry Genetics
Classification: Likely pathogenic for Hereditary cancer-predisposing syndrome. Last evaluated: 2024-05-22. Review status: criteria provided, single submitter. Criteria: Ambry Variant Classification Scheme 2023. Collection method: clinical testing. Allele origin: germline.
Comment: The c.1409-2delA intronic variant results from a single nucleotide deletion two nucleotides before coding exon 11 of the APC gene. This variant is considered to be rare based on population cohorts in the Genome Aggregation Database (gnomAD). This nucleotide position is highly conserved in available vertebrate species. In silico splice site analysis predicts that this alteration will weaken the native splice acceptor site and will result in the creation or strengthening of a novel splice acceptor site. Alterations that disrupt the canonical splice site are expected to cause aberrant splicing, resulting in an abnormal protein or a transcript that is subject to nonsense-mediated mRNA decay. As such, this alteration is classified as likely pathogenic.

Labcorp Genetics (formerly Invitae), Labcorp
Classification: Likely pathogenic for Familial adenomatous polyposis 1. Last evaluated: 2024-04-22. Review status: criteria provided, single submitter. Criteria: Invitae Variant Classification Sherloc (09022015). Collection method: clinical testing. Allele origin: germline.
Comment: This sequence change affects a splice site in intron 11 of the APC gene. It is expected to disrupt RNA splicing. Variants that disrupt the donor or acceptor splice site typically lead to a loss of protein function (PMID: 16199547), and loss-of-function variants in APC are known to be pathogenic (PMID: 17963004, 20685668). This variant is not present in population databases (gnomAD no frequency). This variant has not been reported in the literature in individuals affected with APC-related conditions. ClinVar contains an entry for this variant (Variation ID: 1049772). Algorithms developed to predict the effect of sequence changes on RNA splicing suggest that this variant may disrupt the consensus splice site. In summary, the currently available evidence indicates that the variant is pathogenic, but additional data are needed to prove that conclusively. Therefore, this variant has been classified as Likely Pathogenic.

Department of Pathology and Laboratory Medicine, Sinai Health System
Classification: Pathogenic for Familial adenomatous polyposis 1; Desmoid disease, hereditary. Last evaluated: 2015-10-28. Review status: criteria provided, single submitter. Criteria: ACMG Guidelines, 2015. Collection method: clinical testing. Allele origin: germline. Affected: yes.

Department of Pathology and Laboratory Medicine, Sinai Health System
Classification: Pathogenic for Carcinoma of colon. Review status: no assertion criteria provided. Collection method: clinical testing. Allele origin: unknown. Affected: yes. Study: The Canadian Open Genetics Repository (COGR). Not counted in ClinVar's aggregate classification.
Comment: The c.1409-2del variant was not identified in the literature nor was it identified in the dbSNP, Clinvitae database, COSMIC, â€šÃ„ÃºMismatch Repair Genes Variant Databaseâ€šÃ„Ã¹, â€šÃ„ÃºMMR Gene Unclassified Variants Databaseâ€šÃ„Ã¹, InSiGHT Colon Cancer Gene Variant Database (LOVD), Zhejiang Colon Cancer Database (LOVD), ClinVar database, GeneInsight - COGR database, ExAC, and UMD databases. The c.1409-2del variant is predicted to cause abnormal splicing because the nucleotide substitution occurs in the invariant region of the splice consensus sequence. In addition, 5 of 5 in silico or computational prediction software programs (SpliceSiteFinder, MaxEntScan, NNSPLICE, GeneSplicer, HumanSpliceFinder) predict a greater than 10% difference in splicing and abolishment of the consensus splice site. In summary, based on the above information, this variant meets our laboratoryâ€šÃ„Ã´s criteria to be classified as pathogenic.

Literature cited by the submitters: PubMed 16199547 (cited by Labcorp Genetics (formerly Invitae), Labcorp); PubMed 17963004 (cited by Labcorp Genetics (formerly Invitae), Labcorp); PubMed 20685668 (cited by Labcorp Genetics (formerly Invitae), Labcorp).